The following is an entry in ClinVar:

ClinVar aggregate classification (germline): Benign/Likely benign. Review status: criteria provided, multiple submitters, no conflicts (2 of 4 stars). 5 submissions from 5 submitters: Benign (1); Likely benign (2). 2 of the submissions do not count toward it. Last evaluated 2026-09-01.

Conditions:
LRTOMT-related disorder. Also called: LRTOMT-related condition.

Allele frequency attached by ClinVar (database versions not stated): 1000 Genomes Project 0.00120; 1000 Genomes Project 30x 0.00141; ExAC 0.00300; TOPMed 0.00342; gnomAD exomes 0.00361 and 0.00561; gnomAD 0.00410 and 0.00424; ESP Exome Variant Server 0.00504.
gnomAD v4.1: 8,380 of 1,548,742 alleles (0.54%); highest among the groups gnomAD compares: Non-Finnish European, 0.65%; 36 homozygotes.

Submissions (33):

CeGaT Center for Human Genetics Tuebingen
Classification: Likely benign. Last evaluated: 2026-09-01. Review status: criteria provided, single submitter. Criteria: CeGaT Center For Human Genetics Tuebingen Variant Classification Criteria Version 2. Collection method: clinical testing. Allele origin: germline. Affected: yes. Observed: 12 variant alleles.
Comment: LRTOMT: BS2

Blueprint Genetics
Classification: Likely benign. Last evaluated: 2024-11-23. Review status: criteria provided, single submitter. Criteria: ACMG Guidelines, 2015. Collection method: clinical testing. Allele origin: germline.

GeneDx
Classification: Benign. Last evaluated: 2020-06-25. Review status: criteria provided, single submitter. Criteria: GeneDx Variant Classification Process June 2021. Collection method: clinical testing. Allele origin: germline. Affected: yes.

PreventionGenetics, part of Exact Sciences
Classification: Benign for LRTOMT-related condition. Last evaluated: 2020-11-03. Review status: no assertion criteria provided. Collection method: clinical testing. Allele origin: germline. Not counted in ClinVar's aggregate classification.
Comment: This variant is classified as benign based on ACMG/AMP sequence variant interpretation guidelines (Richards et al. 2015 PMID: 25741868, with internal and published modifications).

Department of Pathology and Laboratory Medicine, Sinai Health System
Classification: Likely benign. Review status: no assertion criteria provided. Collection method: clinical testing. Allele origin: unknown. Affected: yes. Study: The Canadian Open Genetics Repository (COGR). Not counted in ClinVar's aggregate classification.
Comment: The LRTOMT c.*1201A>C variant was not identified in the literature nor was it identified in ClinVar or Cosmic, however it was identified in dbSNP (ID: rs188080974) and in LOVD 3.0. The variant was identified in control databases in 712 of 180888 chromosomes (3 homozygous) at a frequency of 0.003936 increasing the likelihood this could be a low frequency benign variant (Genome Aggregation Database Feb 27, 2017). The variant was observed in the following populations: European (non-Finnish) in 534 of 72128 chromosomes (freq: 0.007404), European (Finnish) in 64 of 18706 chromosomes (freq: 0.003421), Other in 16 of 5322 chromosomes (freq: 0.003006), South Asian in 55 of 22414 chromosomes (freq: 0.002454), African in 17 of 16510 chromosomes (freq: 0.00103), Ashkenazi Jewish in 7 of 8720 chromosomes (freq: 0.000803) and Latino in 19 of 24916 chromosomes (freq: 0.000763); it was not observed in the East Asian population. Four out of four computational prediction software programs predict a loss of a 3' splice site at c.*1202 (SpliceSiteFinder-like, MaxEntScan, NNSPLICE, and GeneSplicer). However this is not a known 3' splice site therefore the impact on splicing cannot be determined. MutationTaster predicts the variant as a polymorphism and the c.*1201A nucleotide is not conserved in mammals and other organisms. In summary, based on the above information the clinical significance of this variant cannot be determined with certainty at this time although we would lean towards a more benign role for this variant. This variant is classified as likely benign.

Dr. Peter K. Rogan Lab, Western University
No classification provided (evidence only). Condition: Clear cell carcinoma of kidney. Review status: no classification provided. Collection method: in vitro. Allele origin: not applicable. Functional consequence: retained intron. Not counted in ClinVar's aggregate classification.

Dr. Peter K. Rogan Lab, Western University
No classification provided (evidence only). Condition: Clear cell carcinoma of kidney. Review status: no classification provided. Collection method: in vitro. Allele origin: not applicable. Functional consequence: retained intron. Not counted in ClinVar's aggregate classification.

Dr. Peter K. Rogan Lab, Western University
No classification provided (evidence only). Condition: Clear cell carcinoma of kidney. Review status: no classification provided. Collection method: in vitro. Allele origin: not applicable. Functional consequence: retained intron. Not counted in ClinVar's aggregate classification.

Dr. Peter K. Rogan Lab, Western University
No classification provided (evidence only). Condition: Papillary renal cell carcinoma type 1. Review status: no classification provided. Collection method: in vitro. Allele origin: not applicable. Functional consequence: retained intron. Not counted in ClinVar's aggregate classification.

Dr. Peter K. Rogan Lab, Western University
No classification provided (evidence only). Condition: Familial cancer of breast. Review status: no classification provided. Collection method: in vitro. Allele origin: not applicable. Functional consequence: retained intron. Not counted in ClinVar's aggregate classification.

Dr. Peter K. Rogan Lab, Western University
No classification provided (evidence only). Condition: Familial cancer of breast. Review status: no classification provided. Collection method: in vitro. Allele origin: not applicable. Functional consequence: retained intron. Not counted in ClinVar's aggregate classification.

Dr. Peter K. Rogan Lab, Western University
No classification provided (evidence only). Condition: Familial cancer of breast. Review status: no classification provided. Collection method: in vitro. Allele origin: not applicable. Functional consequence: retained intron. Not counted in ClinVar's aggregate classification.

Dr. Peter K. Rogan Lab, Western University
No classification provided (evidence only). Condition: Familial cancer of breast. Review status: no classification provided. Collection method: in vitro. Allele origin: not applicable. Functional consequence: retained intron. Not counted in ClinVar's aggregate classification.

Dr. Peter K. Rogan Lab, Western University
No classification provided (evidence only). Condition: Familial cancer of breast. Review status: no classification provided. Collection method: in vitro. Allele origin: not applicable. Functional consequence: retained intron. Not counted in ClinVar's aggregate classification.

Dr. Peter K. Rogan Lab, Western University
No classification provided (evidence only). Condition: Familial cancer of breast. Review status: no classification provided. Collection method: in vitro. Allele origin: not applicable. Functional consequence: retained intron. Not counted in ClinVar's aggregate classification.

Dr. Peter K. Rogan Lab, Western University
No classification provided (evidence only). Condition: Familial cancer of breast. Review status: no classification provided. Collection method: in vitro. Allele origin: not applicable. Functional consequence: retained intron. Not counted in ClinVar's aggregate classification.

Dr. Peter K. Rogan Lab, Western University
No classification provided (evidence only). Condition: Acute myeloid leukemia. Review status: no classification provided. Collection method: in vitro. Allele origin: not applicable. Functional consequence: retained intron. Not counted in ClinVar's aggregate classification.

Dr. Peter K. Rogan Lab, Western University
No classification provided (evidence only). Condition: Colon adenocarcinoma. Review status: no classification provided. Collection method: in vitro. Allele origin: not applicable. Functional consequence: retained intron. Not counted in ClinVar's aggregate classification.

Dr. Peter K. Rogan Lab, Western University
No classification provided (evidence only). Condition: Colorectal cancer. Review status: no classification provided. Collection method: in vitro. Allele origin: not applicable. Functional consequence: retained intron. Not counted in ClinVar's aggregate classification.

Dr. Peter K. Rogan Lab, Western University
No classification provided (evidence only). Condition: Uterine corpus endometrial carcinoma. Review status: no classification provided. Collection method: in vitro. Allele origin: not applicable. Functional consequence: retained intron. Not counted in ClinVar's aggregate classification.

Dr. Peter K. Rogan Lab, Western University
No classification provided (evidence only). Condition: Uterine corpus endometrial carcinoma. Review status: no classification provided. Collection method: in vitro. Allele origin: not applicable. Functional consequence: retained intron. Not counted in ClinVar's aggregate classification.

Dr. Peter K. Rogan Lab, Western University
No classification provided (evidence only). Condition: Uterine corpus endometrial carcinoma. Review status: no classification provided. Collection method: in vitro. Allele origin: not applicable. Functional consequence: retained intron. Not counted in ClinVar's aggregate classification.

Dr. Peter K. Rogan Lab, Western University
No classification provided (evidence only). Condition: Cervical cancer. Review status: no classification provided. Collection method: in vitro. Allele origin: not applicable. Functional consequence: retained intron. Not counted in ClinVar's aggregate classification.

Dr. Peter K. Rogan Lab, Western University
No classification provided (evidence only). Condition: Sarcoma. Review status: no classification provided. Collection method: in vitro. Allele origin: not applicable. Functional consequence: retained intron. Not counted in ClinVar's aggregate classification.

Dr. Peter K. Rogan Lab, Western University
No classification provided (evidence only). Condition: Hepatocellular carcinoma. Review status: no classification provided. Collection method: in vitro. Allele origin: not applicable. Functional consequence: retained intron. Not counted in ClinVar's aggregate classification.

Dr. Peter K. Rogan Lab, Western University
No classification provided (evidence only). Condition: Hepatocellular carcinoma. Review status: no classification provided. Collection method: in vitro. Allele origin: not applicable. Functional consequence: retained intron. Not counted in ClinVar's aggregate classification.

Dr. Peter K. Rogan Lab, Western University
No classification provided (evidence only). Condition: Nonpapillary renal cell carcinoma. Review status: no classification provided. Collection method: in vitro. Allele origin: not applicable. Functional consequence: retained intron. Not counted in ClinVar's aggregate classification.

Dr. Peter K. Rogan Lab, Western University
No classification provided (evidence only). Condition: Ovarian serous cystadenocarcinoma. Review status: no classification provided. Collection method: in vitro. Allele origin: not applicable. Functional consequence: retained intron. Not counted in ClinVar's aggregate classification.

Dr. Peter K. Rogan Lab, Western University
No classification provided (evidence only). Condition: Ovarian serous cystadenocarcinoma. Review status: no classification provided. Collection method: in vitro. Allele origin: not applicable. Functional consequence: retained intron. Not counted in ClinVar's aggregate classification.

Dr. Peter K. Rogan Lab, Western University
No classification provided (evidence only). Condition: Ovarian serous cystadenocarcinoma. Review status: no classification provided. Collection method: in vitro. Allele origin: not applicable. Functional consequence: retained intron. Not counted in ClinVar's aggregate classification.

Dr. Peter K. Rogan Lab, Western University
No classification provided (evidence only). Condition: Ovarian serous cystadenocarcinoma. Review status: no classification provided. Collection method: in vitro. Allele origin: not applicable. Functional consequence: retained intron. Not counted in ClinVar's aggregate classification.

Dr. Peter K. Rogan Lab, Western University
No classification provided (evidence only). Condition: Ovarian serous cystadenocarcinoma. Review status: no classification provided. Collection method: in vitro. Allele origin: not applicable. Functional consequence: retained intron. Not counted in ClinVar's aggregate classification.

Dr. Peter K. Rogan Lab, Western University
No classification provided (evidence only). Condition: Malignant tumor of esophagus. Review status: no classification provided. Collection method: in vitro. Allele origin: not applicable. Functional consequence: retained intron. Not counted in ClinVar's aggregate classification.

NM_145309.6(LRRC51):c.*1201A>C

Genes: LRRC51 (leucine rich repeat containing 51; plus strand), LRTOMT (leucine rich transmembrane and O-methyltransferase domain containing; plus strand). Cytogenetic location: 11q13.4.
Variant type: single nucleotide variant.
Coding change: c.*1201A>C on transcript NM_145309.6 (MANE Select); 1201 bases downstream of the stop codon, A replaced by C.
Molecular consequence: 3 prime UTR variant. On other transcripts: non-coding transcript variant (2), intron variant (3), splice acceptor variant (1).
Genome position (GRCh38, 1-based): chr11:72,096,721, A>C. VCF-style: chr11-72096721-A-C. GRCh37 (hg19) VCF-style: chr11-71807767-A-C.
Other names: c.*1201A>C (NM_001205138.4, NM_001318803.2); c.*1621A>C (NM_001271471.3); c.34+1625A>C (NM_001145309.4, NM_001145310.4, NM_001145308.5); c.438-2A>C (NM_001145307.5).
Identifiers: ClinVar variation 1049568 (VCV001049568.22), dbSNP rs188080974, ClinGen allele CA6168344.